The following is an entry in ClinVar:

NM_004082.5(DCTN1):c.2024C>G (p.Ser675Cys)

Gene: DCTN1 (dynactin subunit 1; minus strand). Cytogenetic location: 2p13.1.
Variant type: single nucleotide variant.
Coding change: c.2024C>G on transcript NM_004082.5 (MANE Select); coding-DNA position 2024, C replaced by G.
Protein change: p.Ser675Cys; replaces serine 675 with cysteine.
Molecular consequence: missense variant. On other transcripts: non-coding transcript variant (1).
Genome position (GRCh38, 1-based): chr2:74,367,856, G>C on the plus strand (C>G on the coding strand, the complement: DCTN1 is on the minus strand). VCF-style: chr2-74367856-G-C. GRCh37 (hg19) VCF-style: chr2-74594983-G-C.
Other names: c.1964C>G, p.Ser655Cys (NM_001135040.3); c.1622C>G, p.Ser541Cys (NM_001135041.3, NM_023019.4); c.1913C>G, p.Ser638Cys (NM_001190836.2); c.2003C>G, p.Ser668Cys (NM_001190837.2); c.1973C>G, p.Ser658Cys (NM_001378991.1); c.1955C>G, p.Ser652Cys (NM_001378992.1); short protein forms S638C, S655C, S675C, S652C, S541C, S668C, S658C.
Identifiers: ClinVar variation 2948246 (VCV002948246.3), dbSNP rs2529128515, ClinGen allele CA347351472.
Genomic context (GRCh38, chr2:74,367,856, plus strand): 5'-TGGGCACTCATCTCAGGGTACAGGCTGCCCACTTTCTTATACACATCCACACTGCACTGA[G>C]AGAGGGCACTAGAGACCAGAGAAGGGCACTGTGAGGCTAGAGTCTGCCAGGCAATCTCAG-3'
Protein context (NP_004073.2, residues 665-685): ATLHRYEHAL[Ser675Cys]QCSVDVYKKV

ClinVar aggregate classification (germline): Uncertain significance (1 of 4 stars; one submission).

Conditions:
Amyotrophic lateral sclerosis type 1 (ALS1). Also called: AMYOTROPHIC LATERAL SCLEROSIS 1, FAMILIAL. Identifiers: Orphanet 803, MedGen C1862939, MONDO:0007103, OMIM 105400.
Neuronopathy, distal hereditary motor, type 7B. Also called: HMN VIIB; LOWER MOTOR NEURON DISEASE, DYNACTIN TYPE; NEURONOPATHY, DISTAL HEREDITARY MOTOR, AUTOSOMAL DOMINANT 14; NEURONOPATHY, DISTAL HEREDITARY MOTOR, HARDING TYPE VIIB; NEUROPATHY, DISTAL HEREDITARY MOTOR, HARDING TYPE VIIB; NEUROPATHY, DISTAL HEREDITARY MOTOR, WITH VOCAL CORD PARALYSIS, HARDING TYPE VIIB. Identifiers: Orphanet 139589, MedGen C1843315, MONDO:0011879, OMIM 607641.
Perry syndrome. Also called: PARKINSONISM WITH ALVEOLAR HYPOVENTILATION AND MENTAL DEPRESSION. Identifiers: Orphanet 178509, MedGen C1868594, MONDO:0008201, OMIM 168605.

Submission:

Labcorp Genetics (formerly Invitae), Labcorp
Classification: Uncertain significance for Amyotrophic lateral sclerosis type 1; Neuronopathy, distal hereditary motor, type 7B; Perry syndrome. Last evaluated: 2023-07-06. Review status: criteria provided, single submitter. Criteria: Invitae Variant Classification Sherloc (09022015). Collection method: clinical testing. Allele origin: germline.
Comment: This variant is not present in population databases (gnomAD no frequency). In summary, the available evidence is currently insufficient to determine the role of this variant in disease. Therefore, it has been classified as a Variant of Uncertain Significance. Advanced modeling of protein sequence and biophysical properties (such as structural, functional, and spatial information, amino acid conservation, physicochemical variation, residue mobility, and thermodynamic stability) performed at Invitae indicates that this missense variant is not expected to disrupt DCTN1 protein function. This variant has not been reported in the literature in individuals affected with DCTN1-related conditions. This sequence change replaces serine, which is neutral and polar, with cysteine, which is neutral and slightly polar, at codon 675 of the DCTN1 protein (p.Ser675Cys).